The following is an entry in ClinVar:

ClinVar aggregate classification (germline): Uncertain significance. Review status: criteria provided, multiple submitters, no conflicts (2 of 4 stars). 4 submissions from 4 submitters: Uncertain significance (3). 1 of the submissions does not count toward it. Last evaluated 2022-07-01.

Conditions:
Nemaline myopathy 2 (NEM2). Also called: Nemaline myopathy 2, autosomal recessive. Identifiers: MedGen C1850569, MONDO:0009725, OMIM 256030.

Allele frequency attached by ClinVar (database versions not stated): TOPMed below 0.00001; gnomAD 0.00001; gnomAD exomes 0.00002.
gnomAD v4.1: 22 of 1,594,944 alleles (0.0014%); highest among the groups gnomAD compares: Non-Finnish European, 0.0019%; no homozygotes.

Submissions (4):

CeGaT Center for Human Genetics Tuebingen
Classification: Uncertain significance. Last evaluated: 2022-07-01. Review status: criteria provided, single submitter. Criteria: CeGaT Center For Human Genetics Tuebingen Variant Classification Criteria Version 2. Collection method: clinical testing. Allele origin: germline. Affected: yes. Observed: 1 variant allele.
Comment: NEB: PM2, BP4

Labcorp Genetics (formerly Invitae), Labcorp
Classification: Uncertain significance for Nemaline myopathy 2. Last evaluated: 2022-01-13. Review status: criteria provided, single submitter. Criteria: Invitae Variant Classification Sherloc (09022015). Collection method: clinical testing. Allele origin: germline.
Comment: This sequence change replaces arginine, which is basic and polar, with glycine, which is neutral and non-polar, at codon 1812 of the NEB protein (p.Arg1812Gly). This variant is present in population databases (no rsID available, gnomAD 0.007%). This variant has not been reported in the literature in individuals affected with NEB-related conditions. ClinVar contains an entry for this variant (Variation ID: 641944). Algorithms developed to predict the effect of missense changes on protein structure and function are either unavailable or do not agree on the potential impact of this missense change (SIFT: "Deleterious"; PolyPhen-2: "Not Available"; Align-GVGD: "Class C0"). In summary, the available evidence is currently insufficient to determine the role of this variant in disease. Therefore, it has been classified as a Variant of Uncertain Significance.

Revvity Omics, Revvity
Classification: Uncertain significance. Last evaluated: 2021-08-10. Review status: criteria provided, single submitter. Criteria: ACMG Guidelines, 2015. Collection method: clinical testing. Allele origin: germline.

Natera, Inc.
Classification: Uncertain significance for Nemaline myopathy type 2. Last evaluated: 2021-08-27. Review status: no assertion criteria provided. Collection method: clinical testing. Allele origin: germline. Not counted in ClinVar's aggregate classification.

NM_001164508.2(NEB):c.5434A>G (p.Arg1812Gly)

Gene: NEB (nebulin; minus strand). Cytogenetic location: 2q23.3.
Variant type: single nucleotide variant.
Coding change: c.5434A>G on transcript NM_001164508.2 (MANE Select); coding-DNA position 5434, A replaced by G.
Protein change: p.Arg1812Gly; replaces arginine 1812 with glycine.
Molecular consequence: missense variant.
Genome position (GRCh38, 1-based): chr2:151,664,518, T>C on the plus strand (A>G on the coding strand, the complement: NEB is on the minus strand). VCF-style: chr2-151664518-T-C. GRCh37 (hg19) VCF-style: chr2-152521032-T-C.
Other names: c.5434A>G, p.Arg1812Gly (NM_001164507.2, NM_001271208.2, NM_004543.5); short protein forms R1812G.
Identifiers: ClinVar variation 641944 (VCV000641944.42), dbSNP rs1466182533, ClinGen allele CA348810233.
Genomic context (GRCh38, chr2:151,664,518, plus strand): 5'-TCTTACTTGCTCAACCCCAAAAAGGCCCAGTGCAAGCACTTACATCACTGGCAATGTCTC[T>C]AGAGGCTCTTGCAGCCTTTATTGCAATGGCATCAGGCCTCAGGTCATATCCTTTCTTCTT-3'
Protein context (NP_001157980.2, residues 1802-1822): AIAIKAARAS[Arg1812Gly]DIASDYKYKK